The following is an entry in ClinVar:

ClinVar aggregate classification (germline): Conflicting classifications of pathogenicity. Review status: criteria provided, conflicting classifications (1 of 4 stars). 2 submissions from 2 submitters: Likely pathogenic (1); Uncertain significance (1). Last evaluated 2025-11-01.

Allele frequency attached by ClinVar (database versions not stated): gnomAD exomes below 0.00001 and 0.00002; ExAC 0.00001; gnomAD 0.00002; TOPMed 0.00002.
gnomAD v4.1: 34 of 1,612,902 alleles (0.0021%); highest among the groups gnomAD compares: Non-Finnish European, 0.0028%; no homozygotes.

Submissions (2):

CeGaT Center for Human Genetics Tuebingen
Classification: Likely pathogenic. Last evaluated: 2025-11-01. Review status: criteria provided, single submitter. Criteria: CeGaT Center For Human Genetics Tuebingen Variant Classification Criteria Version 2. Collection method: clinical testing. Allele origin: germline. Affected: yes. Observed: 3 variant alleles.
Comment: NEU1: PM3:Strong, PM2, PP3

Labcorp Genetics (formerly Invitae), Labcorp
Classification: Uncertain significance. Last evaluated: 2021-08-26. Review status: criteria provided, single submitter. Criteria: Invitae Variant Classification Sherloc (09022015). Collection method: clinical testing. Allele origin: germline.
Comment: This sequence change replaces threonine with isoleucine at codon 345 of the NEU1 protein (p.Thr345Ile). The threonine residue is highly conserved and there is a moderate physicochemical difference between threonine and isoleucine. This variant is present in population databases (rs750975716, ExAC 0.002%). This missense change has been observed in individual(s) with sialidosis (PMID: 14517945). Algorithms developed to predict the effect of missense changes on protein structure and function (SIFT, PolyPhen-2, Align-GVGD) all suggest that this variant is likely to be disruptive. In summary, the available evidence is currently insufficient to determine the role of this variant in disease. Therefore, it has been classified as a Variant of Uncertain Significance.

Literature cited by the submitters: PubMed 14517945 (cited by Labcorp Genetics (formerly Invitae), Labcorp).

NM_000434.4(NEU1):c.1034C>T (p.Thr345Ile)

Gene: NEU1 (neuraminidase 1; minus strand). Cytogenetic location: 6p21.33.
Variant type: single nucleotide variant.
Coding change: c.1034C>T on transcript NM_000434.4 (MANE Select); coding-DNA position 1034, C replaced by T.
Protein change: p.Thr345Ile; replaces threonine 345 with isoleucine.
Molecular consequence: missense variant.
Genome position (GRCh38, 1-based): chr6:31,859,933, G>A on the plus strand (C>T on the coding strand, the complement: NEU1 is on the minus strand). VCF-style: chr6-31859933-G-A. GRCh37 (hg19) VCF-style: chr6-31827710-G-A.
Other names: short protein forms T345I.
Identifiers: ClinVar variation 860957 (VCV000860957.47), dbSNP rs750975716, ClinGen allele CA3724884.
Genomic context (GRCh38, chr6:31,859,933, plus strand): 5'-GGCCATAGCTGGACTGTCTCTTTCCGCCATGAGGTACCATTGCTGAAGCTCCATCGCAGG[G>A]TCAGGTTCACTCCTGGGGAGAGCAGGAGAGTCAGGGAGAGAGGGTCTCTGCCCAGGCCTT-3'
Protein context (NP_000425.1, residues 335-355): PAHPEFRVNL[Thr345Ile]LRWSFSNGTS